The following is an entry in ClinVar:

ClinVar aggregate classification (germline): Conflicting classifications of pathogenicity. Review status: criteria provided, conflicting classifications (1 of 4 stars). 3 submissions from 3 submitters: Uncertain significance (1); Likely benign (2). Last evaluated 2024-08-08.

Conditions:
Juvenile polyposis syndrome (JPS). Identifiers: Orphanet 2929, MedGen C0345893, MONDO:0017380, OMIM 174900.
Generalized juvenile polyposis/juvenile polyposis coli. Also called: Juvenile polyposis coli. Identifiers: Orphanet 329971, MedGen C1868081, MONDO:0008276.

Submissions (3):

Myriad Genetics, Inc.
Classification: Likely benign for Juvenile polyposis syndrome. Last evaluated: 2024-08-08. Review status: criteria provided, single submitter. Criteria: Myriad Autosomal Dominant, Autosomal Recessive and X-Linked Classification Criteria (2023). Collection method: clinical testing. Allele origin: unknown.
Comment: This variant is considered likely benign. This variant is intronic and is not expected to impact mRNA splicing.

Labcorp Genetics (formerly Invitae), Labcorp
Classification: Likely benign for Juvenile polyposis syndrome. Last evaluated: 2022-03-27. Review status: criteria provided, single submitter. Criteria: Invitae Variant Classification Sherloc (09022015). Collection method: clinical testing. Allele origin: germline.

Illumina Laboratory Services, Illumina
Classification: Uncertain significance for Juvenile polyposis syndrome. Last evaluated: 2018-01-13. Review status: criteria provided, single submitter. Criteria: ICSL Variant Classification Criteria 13 December 2019. Collection method: clinical testing. Allele origin: germline.

NM_004329.3(BMPR1A):c.1474-7T>C

Gene: BMPR1A (bone morphogenetic protein receptor type 1A; plus strand). Cytogenetic location: 10q23.2.
Variant type: single nucleotide variant.
Coding change: c.1474-7T>C on transcript NM_004329.3 (MANE Select); 7 bases into the intron before coding-DNA position 1474, T replaced by C.
Molecular consequence: intron variant.
Genome position (GRCh38, 1-based): chr10:86,923,587, T>C. VCF-style: chr10-86923587-T-C. GRCh37 (hg19) VCF-style: chr10-88683344-T-C.
Identifiers: ClinVar variation 416801 (VCV000416801.14), dbSNP rs1060504901, ClinGen allele CA16613236.
Genomic context (GRCh38, chr10:86,923,587, plus strand): 5'-TGAAGAAGTGATTCGTAAATGCCACCAAATATATTCTCTGCTCACTGAACATCTCTTTAC[T>C]TTTCAGTGTCTACGAGCAGTTTTGAAGCTAATGTCAGAATGCTGGGCCCACAATCCAGCC-3'